The following is an entry in ClinVar:

NM_025137.4(SPG11):c.3077A>T (p.Glu1026Val)

Gene: SPG11 (SPG11 vesicle trafficking associated, spatacsin; minus strand). Cytogenetic location: 15q21.1.
Variant type: single nucleotide variant.
Coding change: c.3077A>T on transcript NM_025137.4 (MANE Select); coding-DNA position 3077, A replaced by T.
Protein change: p.Glu1026Val; replaces glutamic acid 1026 with valine.
Molecular consequence: missense variant.
Genome position (GRCh38, 1-based): chr15:44,613,498, T>A on the plus strand (A>T on the coding strand, the complement: SPG11 is on the minus strand). VCF-style: chr15-44613498-T-A. GRCh37 (hg19) VCF-style: chr15-44905696-T-A.
Other names: c.3077A>T, p.Glu1026Val (NM_001160227.2); short protein forms E1026V.
Identifiers: ClinVar variation 571411 (VCV000571411.10), dbSNP rs1567163181, ClinGen allele CA392228624.

ClinVar aggregate classification (germline): Uncertain significance (1 of 4 stars; one submission).

Conditions:
Hereditary spastic paraplegia 11. Also called: Spastic paraplegia, mental retardation and thin corpus callosum; SPASTIC PARAPLEGIA, AUTOSOMAL RECESSIVE, COMPLICATED, WITH THIN CORPUS CALLOSUM; SPASTIC PARAPLEGIA, AUTOSOMAL RECESSIVE, WITH MENTAL IMPAIRMENT AND THIN CORPUS CALLOSUM; Nakamura Osame syndrome; Autosomal recessive hereditary spastic paraplegia, mental impairment, and thin corpus callosum; Spastic Paraplegia 11. Identifiers: Orphanet 2822, MedGen C1858479, MONDO:0011445, OMIM 604360.

Submission:

Labcorp Genetics (formerly Invitae), Labcorp
Classification: Uncertain significance for Hereditary spastic paraplegia 11. Last evaluated: 2019-05-03. Review status: criteria provided, single submitter. Criteria: Invitae Variant Classification Sherloc (09022015). Collection method: clinical testing. Allele origin: germline.
Comment: This sequence change replaces glutamic acid with valine at codon 1026 of the SPG11 protein (p.Glu1026Val). The glutamic acid residue is highly conserved and there is a moderate physicochemical difference between glutamic acid and valine. This variant is not present in population databases (ExAC no frequency). This variant has not been reported in the literature in individuals with SPG11-related disease. Algorithms developed to predict the effect of missense changes on protein structure and function do not agree on the potential impact of this missense change (SIFT: "Deleterious"; PolyPhen-2: "Possibly Damaging"; Align-GVGD: "Class C15"). In summary, the available evidence is currently insufficient to determine the role of this variant in disease. Therefore, it has been classified as a Variant of Uncertain Significance.